The following is an entry in ClinVar:

NM_007272.3(CTRC):c.683C>A (p.Ser228Tyr)

Gene: CTRC (chymotrypsin C; plus strand). Cytogenetic location: 1p36.21.
Variant type: single nucleotide variant.
Coding change: c.683C>A on transcript NM_007272.3 (MANE Select); coding-DNA position 683, C replaced by A.
Protein change: p.Ser228Tyr; replaces serine 228 with tyrosine.
Molecular consequence: missense variant.
Genome position (GRCh38, 1-based): chr1:15,445,640, C>A. VCF-style: chr1-15445640-C-A. GRCh37 (hg19) VCF-style: chr1-15772135-C-A.
Other names: short protein forms S228Y.
Identifiers: ClinVar variation 1755727 (VCV001755727.4), dbSNP rs780832496, ClinGen allele CA338567760.

ClinVar aggregate classification (germline): Uncertain significance. Review status: criteria provided, multiple submitters, no conflicts (2 of 4 stars). 2 submissions from 2 submitters: Uncertain significance (2). Last evaluated 2024-06-10.

Conditions:
Hereditary pancreatitis (PCTT). Also called: Hereditary chronic pancreatitis; PRSS1-Related Hereditary Pancreatitis. Identifiers: Orphanet 676, MedGen C0238339, MONDO:0008185, OMIM 167800.

gnomAD v4.1: 10 of 1,614,114 alleles (0.00062%); highest among the groups gnomAD compares: Non-Finnish European, 0.00085%; no homozygotes.

Submissions (2):

Labcorp Genetics (formerly Invitae), Labcorp
Classification: Uncertain significance for Hereditary pancreatitis. Last evaluated: 2024-06-10. Review status: criteria provided, single submitter. Criteria: Invitae Variant Classification Sherloc (09022015). Collection method: clinical testing. Allele origin: germline.
Comment: This sequence change replaces serine, which is neutral and polar, with tyrosine, which is neutral and polar, at codon 228 of the CTRC protein (p.Ser228Tyr). This variant is not present in population databases (gnomAD no frequency). This variant has not been reported in the literature in individuals affected with CTRC-related conditions. ClinVar contains an entry for this variant (Variation ID: 1755727). Advanced modeling of protein sequence and biophysical properties (such as structural, functional, and spatial information, amino acid conservation, physicochemical variation, residue mobility, and thermodynamic stability) performed at Invitae indicates that this missense variant is not expected to disrupt CTRC protein function with a negative predictive value of 80%. In summary, the available evidence is currently insufficient to determine the role of this variant in disease. Therefore, it has been classified as a Variant of Uncertain Significance.

Ambry Genetics
Classification: Uncertain significance for Hereditary pancreatitis. Last evaluated: 2024-02-27. Review status: criteria provided, single submitter. Criteria: Ambry Variant Classification Scheme 2023. Collection method: clinical testing. Allele origin: germline.
Comment: The p.S228Y variant (also known as c.683C>A), located in coding exon 7 of the CTRC gene, results from a C to A substitution at nucleotide position 683. The serine at codon 228 is replaced by tyrosine, an amino acid with dissimilar properties. This amino acid position is conserved. In addition, this alteration is predicted to be tolerated by in silico analysis. Since supporting evidence is limited at this time, the clinical significance of this alteration remains unclear.